The following is an entry in ClinVar:

ClinVar aggregate classification (germline): Uncertain significance. Review status: criteria provided, multiple submitters, no conflicts (2 of 4 stars). 3 submissions from 3 submitters: Uncertain significance (3). Last evaluated 2025-08-13.

Conditions:
Angioedema, hereditary, 4. Identifiers: MedGen C5543503, MONDO:0025712, OMIM 619360.
Plasminogen deficiency, type I. Also called: Type 1 plasminogen deficiency; Hypoplasminogenemia. Identifiers: Orphanet 722, MedGen C1968804, MONDO:0009009, OMIM 217090.
Inborn genetic diseases. Identifiers: MedGen C0950123, MeSH D030342.

Allele frequency attached by ClinVar (database versions not stated): gnomAD exomes 0.00001; ExAC 0.00002; gnomAD 0.00007; TOPMed 0.00012; ESP Exome Variant Server 0.00015.

Submissions (3):

Ambry Genetics
Classification: Uncertain significance for Inborn genetic diseases. Last evaluated: 2025-08-13. Review status: criteria provided, single submitter. Criteria: Ambry Variant Classification Scheme 2023. Collection method: clinical testing. Allele origin: germline.

Labcorp Genetics (formerly Invitae), Labcorp
Classification: Uncertain significance. Last evaluated: 2025-06-12. Review status: criteria provided, single submitter. Criteria: Invitae Variant Classification Sherloc (09022015). Collection method: clinical testing. Allele origin: germline.
Comment: This sequence change replaces proline, which is neutral and non-polar, with leucine, which is neutral and non-polar, at codon 250 of the PLG protein (p.Pro250Leu). This variant is present in population databases (rs372026592, gnomAD 0.03%). This variant has not been reported in the literature in individuals affected with PLG-related conditions. ClinVar contains an entry for this variant (Variation ID: 1906887). Invitae Evidence Modeling of protein sequence and biophysical properties (such as structural, functional, and spatial information, amino acid conservation, physicochemical variation, residue mobility, and thermodynamic stability) indicates that this missense variant is not expected to disrupt PLG protein function with a negative predictive value of 80%. In summary, the available evidence is currently insufficient to determine the role of this variant in disease. Therefore, it has been classified as a Variant of Uncertain Significance.

Fulgent Genetics
Classification: Uncertain significance for Plasminogen deficiency, type I; Angioedema, hereditary, 4. Last evaluated: 2024-02-06. Review status: criteria provided, single submitter. Criteria: ACMG Guidelines, 2015. Collection method: clinical testing. Allele origin: germline.

NM_000301.5(PLG):c.749C>T (p.Pro250Leu)

Gene: PLG (plasminogen; plus strand). Cytogenetic location: 6q26.
Variant type: single nucleotide variant.
Coding change: c.749C>T on transcript NM_000301.5 (MANE Select); coding-DNA position 749, C replaced by T.
Protein change: p.Pro250Leu; replaces proline 250 with leucine.
Molecular consequence: missense variant.
Genome position (GRCh38, 1-based): chr6:160,716,725, C>T. VCF-style: chr6-160716725-C-T. GRCh37 (hg19) VCF-style: chr6-161137757-C-T.
Other names: short protein forms P250L.
Identifiers: ClinVar variation 1906887 (VCV001906887.8), dbSNP rs372026592, ClinGen allele CA4087557.